The following is an entry in ClinVar:

NM_015087.5(SPART):c.1309G>T (p.Gly437Cys)

Gene: SPART (spartin; minus strand). Cytogenetic location: 13q13.3.
Variant type: single nucleotide variant.
Coding change: c.1309G>T on transcript NM_015087.5 (MANE Select); coding-DNA position 1309, G replaced by T.
Protein change: p.Gly437Cys; replaces glycine 437 with cysteine.
Molecular consequence: missense variant.
Genome position (GRCh38, 1-based): chr13:36,314,401, C>A on the plus strand (G>T on the coding strand, the complement: SPART is on the minus strand). VCF-style: chr13-36314401-C-A. GRCh37 (hg19) VCF-style: chr13-36888538-C-A.
Other names: p.Gly437Cys; c.1309G>T, p.Gly437Cys (NM_001142294.2, NM_001142295.2, NM_001142296.2); short protein forms G437C.
Identifiers: ClinVar variation 530401 (VCV000530401.16), dbSNP rs139819321, ClinGen allele CA6949422.
Genomic context (GRCh38, chr13:36,314,401, plus strand): 5'-GGAGTTTAGAAGCACCTTTCTGGATTGCCTTACCAGTAATCTCAGCACCTTTGACTAAAC[C>A]CCAACTCACCCAGGAAGCACCTTTTTAAAAGAAAATTTAAAATTGCACAATATTAGGGCT-3'
Protein context (NP_055902.1, residues 427-447): ILSGASWVSW[Gly437Cys]LVKGAEITGK

ClinVar aggregate classification (germline): Uncertain significance. Review status: criteria provided, multiple submitters, no conflicts (2 of 4 stars). 6 submissions from 6 submitters: Uncertain significance (6). Last evaluated 2025-06-25.

Conditions:
Inborn genetic diseases. Identifiers: MedGen C0950123, MeSH D030342.
Hereditary spastic paraplegia. Also called: Familial spastic paraparesis. Identifiers: Orphanet 685, MedGen C0037773, MONDO:0019064. Disease mechanism: loss of function.

Allele frequency attached by ClinVar (database versions not stated): TOPMed 0.00010; ESP Exome Variant Server 0.00023.
gnomAD v4.1: 77 of 1,613,790 alleles (0.0048%); highest among the groups gnomAD compares: Non-Finnish European, 0.0062%; no homozygotes.

Submissions (6):

Ambry Genetics
Classification: Uncertain significance for Inborn genetic diseases. Last evaluated: 2025-06-25. Review status: criteria provided, single submitter. Criteria: Ambry Variant Classification Scheme 2023. Collection method: clinical testing. Allele origin: germline.

Mayo Clinic Laboratories, Mayo Clinic
Classification: Uncertain significance. Last evaluated: 2025-04-29. Review status: criteria provided, single submitter. Criteria: ACMG Guidelines, 2015. Collection method: clinical testing. Allele origin: germline. Observed: 1 variant allele.
Comment: PP3, PM2_supporting

Blueprint Genetics
Classification: Uncertain significance. Last evaluated: 2024-05-30. Review status: criteria provided, single submitter. Criteria: ACMG Guidelines, 2015. Collection method: clinical testing. Allele origin: germline.

Athena Diagnostics
Classification: Uncertain significance. Last evaluated: 2023-10-16. Review status: criteria provided, single submitter. Criteria: Athena Diagnostics Criteria. Collection method: clinical testing. Allele origin: unknown.
Comment: Available data are insufficient to determine the clinical significance of the variant at this time. The frequency of this variant in the general population is uninformative in assessment of its pathogenicity. Computational tools predict that this variant is damaging.

Labcorp Genetics (formerly Invitae), Labcorp
Classification: Uncertain significance. Last evaluated: 2022-06-23. Review status: criteria provided, single submitter. Criteria: Invitae Variant Classification Sherloc (09022015). Collection method: clinical testing. Allele origin: germline.
Comment: This sequence change replaces glycine, which is neutral and non-polar, with cysteine, which is neutral and slightly polar, at codon 437 of the SPART protein (p.Gly437Cys). This variant is present in population databases (rs139819321, gnomAD 0.008%). This variant has not been reported in the literature in individuals affected with SPART-related conditions. ClinVar contains an entry for this variant (Variation ID: 530401). Algorithms developed to predict the effect of missense changes on protein structure and function are either unavailable or do not agree on the potential impact of this missense change (SIFT: "Deleterious"; PolyPhen-2: "Probably Damaging"; Align-GVGD: "Class C15"). In summary, the available evidence is currently insufficient to determine the role of this variant in disease. Therefore, it has been classified as a Variant of Uncertain Significance.

Genome Diagnostics Laboratory, The Hospital for Sick Children
Classification: Uncertain significance for Hereditary spastic paraplegia. Last evaluated: 2019-03-01. Review status: criteria provided, single submitter. Criteria: ACMG Guidelines, 2015. Collection method: clinical testing. Allele origin: germline. Affected: yes.